The following is an entry in ClinVar:

ClinVar aggregate classification (germline): Uncertain significance (1 of 4 stars; one submission).

Submission:

Women's Health and Genetics/Laboratory Corporation of America, LabCorp
Classification: Uncertain significance. Last evaluated: 2026-06-03. Review status: criteria provided, single submitter. Criteria: LabCorp Variant Classification Summary - May 2015. Collection method: clinical testing. Allele origin: germline.
Comment: Variant summary: WASHC5 c.2017-13_2017-8delTTCTTT alters nucleotides located at a position not widely known to affect splicing. Several computational tools predict a significant impact on normal splicing: Three predict the variant weakens the canonical 3' acceptor site. Two predict the variant no significant impact on splicing. However, these predictions have yet to be confirmed by functional studies. The variant was absent in 251226 control chromosomes. The available data on variant occurrences in the general population are insufficient to allow any conclusion about variant significance. To our knowledge, no occurrence of c.2017-13_2017-8delTTCTTT in individuals affected with WASHC5-related conditions and no experimental evidence demonstrating its impact on protein function have been reported. No submitters have cited clinical-significance assessments for this variant to ClinVar. Based on the evidence outlined above, the variant was classified as uncertain significance.

NM_014846.4(WASHC5):c.2017-13_2017-8del

Gene: WASHC5 (WASH complex subunit 5; minus strand). Cytogenetic location: 8q24.13.
Variant type: Deletion.
Coding change: c.2017-13_2017-8del on transcript NM_014846.4 (MANE Select); 13 bases into the intron before coding-DNA position 2017 through 8 bases into the intron before coding-DNA position 2017, 6 bases deleted (TTCTTT; older notation c.2017-13_2017-8delTTCTTT).
Molecular consequence: intron variant.
Genome position (GRCh38, 1-based): chr8:125,055,679-125,055,684, AAAGAA deleted on the plus strand (TTCTTT on the coding strand, the reverse complement: WASHC5 is on the minus strand); deleting any 6 consecutive bases within chr8:125,055,679-125,055,689 gives the same sequence; the c. name uses the placement nearest the transcript's 3' end. VCF-style (leftmost placement, unchanged base first): chr8-125055678-CAAAGAA-C. GRCh37 (hg19) VCF-style: chr8-126067920-CAAAGAA-C.
Other names: c.1573-13_1573-8del (NM_001330609.2); c.2017-13_2017-8delTTCTTT (NM_014846.4).
Identifiers: ClinVar variation 4887553 (VCV004887553.1).